The following is an entry in ClinVar:

NM_005236.3(ERCC4):c.1366G>A (p.Glu456Lys)

Gene: ERCC4 (ERCC excision repair 4, endonuclease catalytic subunit; plus strand). Cytogenetic location: 16p13.12.
Variant type: single nucleotide variant.
Coding change: c.1366G>A on transcript NM_005236.3 (MANE Select); coding-DNA position 1366, G replaced by A.
Protein change: p.Glu456Lys; replaces glutamic acid 456 with lysine.
Molecular consequence: missense variant.
Genome position (GRCh38, 1-based): chr16:13,935,298, G>A. VCF-style: chr16-13935298-G-A. GRCh37 (hg19) VCF-style: chr16-14029155-G-A.
Other names: short protein forms E456K.
Identifiers: ClinVar variation 2073298 (VCV002073298.6), dbSNP rs142332295, ClinGen allele CA7910448.

ClinVar aggregate classification (germline): Uncertain significance. Review status: criteria provided, multiple submitters, no conflicts (2 of 4 stars). 3 submissions from 3 submitters: Uncertain significance (3). Last evaluated 2025-08-01.

Conditions:
Xeroderma pigmentosum, group F (XPF). Also called: ERCC4-Related Xeroderma Pigmentosum; XERODERMA PIGMENTOSUM, TYPE F; Xeroderma pigmentosum, type 6; XERODERMA PIGMENTOSUM VI; XP, GROUP F; XERODERMA PIGMENTOSUM, COMPLEMENTATION GROUP F. Identifiers: MedGen C0268140, MONDO:0010215, OMIM 278760.
Cockayne syndrome. Identifiers: Orphanet 191, MedGen C0009207, MONDO:0016006.
Fanconi anemia complementation group Q. Identifiers: Orphanet 84, MedGen C3808988, MONDO:0014108, OMIM 615272.

Allele frequency attached by ClinVar (database versions not stated): ExAC 0.00001; gnomAD exomes 0.00001; gnomAD 0.00002; TOPMed 0.00002; 1000 Genomes Project 30x 0.00016; 1000 Genomes Project 0.00020.
gnomAD v4.1: 15 of 1,614,014 alleles (0.00093%); highest among the groups gnomAD compares: Middle Eastern, 0.033%; no homozygotes.

Submissions (3):

Labcorp Genetics (formerly Invitae), Labcorp
Classification: Uncertain significance for Fanconi anemia complementation group Q; Xeroderma pigmentosum, group F; Cockayne syndrome. Last evaluated: 2025-08-01. Review status: criteria provided, single submitter. Criteria: Invitae Variant Classification Sherloc (09022015). Collection method: clinical testing. Allele origin: germline.
Comment: This sequence change replaces glutamic acid, which is acidic and polar, with lysine, which is basic and polar, at codon 456 of the ERCC4 protein (p.Glu456Lys). This variant is present in population databases (rs142332295, gnomAD 0.007%). This variant has not been reported in the literature in individuals affected with ERCC4-related conditions. ClinVar contains an entry for this variant (Variation ID: 2073298). Invitae Evidence Modeling of protein sequence and biophysical properties (such as structural, functional, and spatial information, amino acid conservation, physicochemical variation, residue mobility, and thermodynamic stability) indicates that this missense variant is not expected to disrupt ERCC4 protein function with a negative predictive value of 80%. In summary, the available evidence is currently insufficient to determine the role of this variant in disease. Therefore, it has been classified as a Variant of Uncertain Significance.

GeneDx
Classification: Uncertain significance. Last evaluated: 2025-05-21. Review status: criteria provided, single submitter. Criteria: GeneDx Variant Classification Process June 2021. Collection method: clinical testing. Allele origin: germline. Affected: yes.
Comment: In silico analysis suggests that this missense variant does not alter protein structure/function; Has not been previously published as pathogenic or benign to our knowledge

St. Jude Molecular Pathology, St. Jude Children's Research Hospital
Classification: Uncertain significance for Xeroderma pigmentosum, group F. Last evaluated: 2023-01-24. Review status: criteria provided, single submitter. Criteria: St. Jude Assertion Criteria 2020. Collection method: clinical testing. Allele origin: germline.
Comment: The ERCC4 c.1366G>A (p.Glu456Lys) missense change has a maximum subpopulation frequency of 0.0062% in gnomAD v2.1.1. The in silico tool REVEL predicts a benign effect on protein function, but to our knowledge this prediction has not been confirmed by functional studies. To our knowledge, this variant has not been reported in individuals with Fanconi anemia or Xeroderma pigmentosum. In summary, the evidence currently available is insufficient to determine the clinical significance of this variant. It has therefore been classified as of uncertain significance.